The following is an entry in ClinVar:

ClinVar aggregate classification (germline): Uncertain significance (1 of 4 stars; one submission).

Conditions:
Hereditary cancer-predisposing syndrome. Also called: Neoplastic Syndromes, Hereditary; Tumor predisposition; Hereditary Cancer Syndrome; Hereditary neoplastic syndrome. Identifiers: Orphanet 140162, MedGen C0027672, MeSH D009386, MONDO:0015356.

Allele frequency attached by ClinVar (database versions not stated): gnomAD 0.00001; TOPMed 0.00001.
gnomAD v4.1: 2 of 1,613,524 alleles (0.00012%); highest among the groups gnomAD compares: Middle Eastern, 0.016%; no homozygotes.

Submission:

Ambry Genetics
Classification: Uncertain significance for Hereditary cancer-predisposing syndrome. Last evaluated: 2024-09-16. Review status: criteria provided, single submitter. Criteria: Ambry Variant Classification Scheme 2023. Collection method: clinical testing. Allele origin: germline.
Comment: The p.I108M variant (also known as c.324C>G), located in coding exon 3 of the XRCC2 gene, results from a C to G substitution at nucleotide position 324. The isoleucine at codon 108 is replaced by methionine, an amino acid with highly similar properties. This amino acid position is not well conserved in available vertebrate species. In addition, this alteration is predicted to be tolerated by in silico analysis. Since supporting evidence is limited at this time, the clinical significance of this alteration remains unclear.

NM_005431.2(XRCC2):c.324C>G (p.Ile108Met)

Gene: XRCC2 (X-ray repair cross complementing 2; minus strand). Cytogenetic location: 7q36.1.
Variant type: single nucleotide variant.
Coding change: c.324C>G on transcript NM_005431.2 (MANE Select); coding-DNA position 324, C replaced by G.
Protein change: p.Ile108Met; replaces isoleucine 108 with methionine.
Molecular consequence: missense variant.
Genome position (GRCh38, 1-based): chr7:152,649,161, G>C on the plus strand (C>G on the coding strand, the complement: XRCC2 is on the minus strand). VCF-style: chr7-152649161-G-C. GRCh37 (hg19) VCF-style: chr7-152346246-G-C.
Other names: short protein forms I108M.
Identifiers: ClinVar variation 1729389 (VCV001729389.3), dbSNP rs988717333, ClinGen allele CA169486949.